The following is an entry in ClinVar:

NM_000444.6(PHEX):c.869del (p.Asn290fs)

Gene: PHEX (phosphate regulating endopeptidase X-linked; plus strand). Cytogenetic location: Xp22.11.
Variant type: Deletion.
Coding change: c.869del on transcript NM_000444.6 (MANE Select); coding-DNA position 869, one base deleted (A; older notation c.869delA).
Protein change: p.Asn290fs; shifts the reading frame from asparagine 290.
Molecular consequence: frameshift variant.
Genome position (GRCh38, 1-based): chrX:22,096,974, A deleted; the last of 4 consecutive A bases (chrX:22,096,971-22,096,974); deleting any one gives the same sequence. VCF-style (leftmost placement, unchanged base first): chrX-22096970-GA-G. GRCh37 (hg19) VCF-style: chrX-22115088-GA-G.
Other names: c.869del, p.Asn290fs (NM_001282754.2); short protein forms N290fs.
Identifiers: ClinVar variation 2024806 (VCV002024806.4), dbSNP rs2519775660, ClinGen allele CA2580100483.

ClinVar aggregate classification (germline): Pathogenic (1 of 4 stars; one submission).

Submission:

Labcorp Genetics (formerly Invitae), Labcorp
Classification: Pathogenic. Last evaluated: 2022-08-19. Review status: criteria provided, single submitter. Criteria: Invitae Variant Classification Sherloc (09022015). Collection method: clinical testing. Allele origin: germline.
Comment: This variant has not been reported in the literature in individuals affected with PHEX-related conditions. This sequence change creates a premature translational stop signal (p.Asn290Thrfs*11) in the PHEX gene. It is expected to result in an absent or disrupted protein product. Loss-of-function variants in PHEX are known to be pathogenic (PMID: 9097956, 9106524, 19219621). This variant is not present in population databases (gnomAD no frequency). For these reasons, this variant has been classified as Pathogenic.

Literature cited by the submitters: PubMed 9097956; PubMed 9106524; PubMed 19219621.